The following is an entry in ClinVar:

NM_000245.4(MET):c.3935+3A>G

Gene: MET (MET proto-oncogene, receptor tyrosine kinase; plus strand). Cytogenetic location: 7q31.2.
Variant type: single nucleotide variant.
Coding change: c.3935+3A>G on transcript NM_000245.4 (MANE Select); 3 bases into the intron after coding-DNA position 3935, A replaced by G.
Molecular consequence: intron variant.
Genome position (GRCh38, 1-based): chr7:116,795,794, A>G. VCF-style: chr7-116795794-A-G. GRCh37 (hg19) VCF-style: chr7-116435848-A-G.
Other names: c.3989+3A>G (LRG_662t1, NM_001127500.3); c.2645+3A>G (NM_001324402.2).
Identifiers: ClinVar variation 454248 (VCV000454248.9), dbSNP rs1554402183, ClinGen allele CA658656004.

ClinVar aggregate classification (germline): Uncertain significance. Review status: criteria provided, multiple submitters, no conflicts (2 of 4 stars). 2 submissions from 2 submitters: Uncertain significance (2). Last evaluated 2025-10-23.

Conditions:
Renal cell carcinoma. Identifiers: Orphanet 217071, MedGen C0007134, MeSH D002292, MONDO:0005086, HP:0005584.
Hereditary cancer-predisposing syndrome. Also called: Hereditary Cancer Syndrome; Hereditary neoplastic syndrome; Neoplastic Syndromes, Hereditary; Tumor predisposition. Identifiers: Orphanet 140162, MedGen C0027672, MeSH D009386, MONDO:0015356.

Submissions (2):

Ambry Genetics
Classification: Uncertain significance for Hereditary cancer-predisposing syndrome. Last evaluated: 2025-10-23. Review status: criteria provided, single submitter. Criteria: Ambry Variant Classification Scheme 2023. Collection method: clinical testing. Allele origin: germline.
Comment: The c.3989+3A>G intronic variant results from an A to G substitution 3 nucleotides after coding exon 19 in the MET gene. This nucleotide position is not well conserved in available vertebrate species. In silico splice site analysis predicts that this alteration will not have any significant effect on splicing. Based on the available evidence, the clinical significance of this variant remains unclear.

Labcorp Genetics (formerly Invitae), Labcorp
Classification: Uncertain significance for Renal cell carcinoma. Last evaluated: 2022-04-05. Review status: criteria provided, single submitter. Criteria: Invitae Variant Classification Sherloc (09022015). Collection method: clinical testing. Allele origin: germline.
Comment: This sequence change falls in intron 20 of the MET gene. It does not directly change the encoded amino acid sequence of the MET protein. It affects a nucleotide within the consensus splice site. This variant is not present in population databases (gnomAD no frequency). This variant has not been reported in the literature in individuals affected with MET-related conditions. ClinVar contains an entry for this variant (Variation ID: 454248). Variants that disrupt the consensus splice site are a relatively common cause of aberrant splicing (PMID: 17576681, 9536098). Algorithms developed to predict the effect of sequence changes on RNA splicing suggest that this variant is not likely to affect RNA splicing. In summary, the available evidence is currently insufficient to determine the role of this variant in disease. Therefore, it has been classified as a Variant of Uncertain Significance.

Literature cited by the submitters: PubMed 17576681 (cited by Labcorp Genetics (formerly Invitae), Labcorp); PubMed 9536098 (cited by Labcorp Genetics (formerly Invitae), Labcorp).